The following is an entry in ClinVar:

ClinVar aggregate classification (germline): Pathogenic (1 of 4 stars; one submission).

Conditions:
Baller-Gerold syndrome (BGS). Also called: CRANIOSYNOSTOSIS WITH RADIAL DEFECTS. Identifiers: Orphanet 1225, MedGen C0265308, MONDO:0009039, OMIM 218600.

Submission:

Labcorp Genetics (formerly Invitae), Labcorp
Classification: Pathogenic for Baller-Gerold syndrome. Last evaluated: 2023-05-19. Review status: criteria provided, single submitter. Criteria: Invitae Variant Classification Sherloc (09022015). Collection method: clinical testing. Allele origin: germline.
Comment: For these reasons, this variant has been classified as Pathogenic. This variant has not been reported in the literature in individuals affected with RECQL4-related conditions. This variant is not present in population databases (gnomAD no frequency). This sequence change creates a premature translational stop signal (p.Tyr621*) in the RECQL4 gene. It is expected to result in an absent or disrupted protein product. Loss-of-function variants in RECQL4 are known to be pathogenic (PMID: 12734318, 12952869).

Literature cited by the submitters: PubMed 12734318; PubMed 12952869.

NM_004260.4(RECQL4):c.1861_1862insG (p.Tyr621Ter)

Gene: RECQL4 (RecQ like helicase 4; minus strand). Cytogenetic location: 8q24.3.
Variant type: Insertion.
Coding change: c.1861_1862insG on transcript NM_004260.4 (MANE Select); coding-DNA positions 1861 to 1862, G inserted.
Protein change: p.Tyr621Ter; replaces tyrosine 621 with a stop codon.
Molecular consequence: nonsense. On other transcripts: non-coding transcript variant (3).
Genome position: GRCh38 VCF-style: chr8-144514205-T-TC. GRCh37 (hg19) VCF-style: chr8-145739589-T-TC.
Other names: c.1765_1766insG, p.Tyr589Ter (NM_001413017.1, NM_001413020.1); c.1861_1862insG, p.Tyr621Ter (NM_001413018.1, NM_001413019.1, NM_001413036.1); c.790_791insG, p.Tyr264Ter (NM_001413021.1, NM_001413022.1, NM_001413023.1 and 6 more transcripts); c.1732_1733insG, p.Tyr578Ter (NM_001413025.1); c.724_725insG, p.Tyr242Ter (NM_001413027.1, NM_001413030.1, NM_001413032.1 and 1 more transcripts); c.1510_1511insG, p.Tyr504Ter (NM_001413029.1); c.592_593insG, p.Tyr198Ter (NM_001413031.1); c.1729_1730insG, p.Tyr577Ter (NM_001413033.1); and 4 more; short protein forms Y254*, Y577*, Y621*, Y264*, Y504*, Y198*, Y220*, Y578*.
Identifiers: ClinVar variation 2979705 (VCV002979705.3), dbSNP rs2538037515, ClinGen allele CA2740095414.
Genomic context (GRCh38, chr8:144,514,205, plus strand): 5'-CCATCCCGGCCCTGGCCGCCCACCCCAGTTCACATATGGCTCACCTTGCAGACGCGCAGG[T>TC]AGCAGGGCCGGAAGTTGTGGGACCACTGGGAGAGGCAGTGGGCCTCATCAATGCAGGCAA-3'